The following is an entry in ClinVar:

ClinVar aggregate classification (germline): Pathogenic (0 of 4 stars; one submission).

Conditions:
Steinert myotonic dystrophy syndrome (DM1). Also called: STEINERT DISEASE; Myotonic dystrophy type 1; Dystrophia myotonica type 1; Steinert myotonic dystrophy; Steinert's disease. Identifiers: Orphanet 273, MedGen C3250443, MONDO:0008056, OMIM 160900.

Submission:

Institute of Molecular, Cell and Systems Biology, University of Glasgow
Classification: Pathogenic for Steinert myotonic dystrophy syndrome. Review status: no assertion criteria provided. Criteria: research. Collection method: research. Allele origin: germline. Inheritance: Autosomal dominant inheritance. Affected: yes. Observed: 1 heterozygote.
Comment: DMPK CTG repeat expansions greater than approximately 45-50 repeats are assumed to be pathogenic

This record is based on data published in PubMed 25052313, which reports only ClinVar accessions SCV000120188 and SCV000120189. The complete data set includes SCV000207445 - SCV000207579.

Literature cited by the submitters: PubMed 1346923; PubMed 1546326; PubMed 25052313.

NM_004409.5(DMPK):c.*224CTG[225]

Genes: DM1-AS (DM1 locus antisense RNA; plus strand), DMPK (DM1 protein kinase; minus strand), LOC109461477 (dystrophia myotonica protein kinase repeat instability region; plus strand), LOC107075317 (origin of replication in DMPK trinucleotide repeat region; plus strand). Cytogenetic location: 19q13.32.
Variant type: Microsatellite.
Coding change: c.*224CTG[225] on transcript NM_004409.5 (MANE Select); 225 copies in a row of the 3-base unit CTG starting at c.*224.
Molecular consequence: 3 prime UTR variant.
Genome position: GRCh38, VCF-style position (the base before the change): chr19:45,770,204. GRCh37 (hg19), VCF-style position (the base before the change): chr19:46,273,462.
Other names: DM1 CTG repeat expansion; c.*224CTG[225] (NM_001081560.3, NM_001288764.2, NM_001424165.1 and 1 more transcripts); c.*217CTG[225] (NM_001081562.3, NM_001288765.2, NM_001424162.1 and 2 more transcripts); c.*222_*224TGC[225] (NM_001081563.3); c.*369CTG[225] (NM_001288766.2, NM_001424164.1, NM_001424168.1).
Identifiers: ClinVar variation 187939 (VCV000187939.1), ClinGen allele CA915951736.